The following is an entry in ClinVar:

NM_021008.4(DEAF1):c.1438del (p.Ala480fs)

Genes: DEAF1 (DEAF1 transcription factor; minus strand), LOC126861109 (BRD4-independent group 4 enhancer GRCh37_chr11:673917-675116; plus strand). Cytogenetic location: 11p15.5.
Variant type: Deletion.
Coding change: c.1438del on transcript NM_021008.4 (MANE Select); coding-DNA position 1438, one base deleted (G; older notation c.1438delG).
Protein change: p.Ala480fs; shifts the reading frame from alanine 480.
Molecular consequence: frameshift variant.
Genome position (GRCh38, 1-based): chr11:674,601, C deleted on the plus strand (G on the coding strand, the reverse complement: DEAF1 is on the minus strand). VCF-style (leftmost placement, unchanged base first): chr11-674600-GC-G. GRCh37 (hg19) VCF-style: chr11-674600-GC-G.
Other names: c.1171delG, p.Ala391Profs (NM_001293634.2); c.712del, p.Ala238fs (NM_001367390.1); short protein forms A238fs, A480fs, A391fs.
Identifiers: ClinVar variation 3666419 (VCV003666419.2).
Genomic context (GRCh38, chr11:674,600, plus strand): 5'-TTCCGCTCTGCGTCAGCGTGGATCTTGGCCTGGTTTGTGGCAGCTTCTCGGTAGGTGCTG[GC>G]ATGCTTGGCTTGCTCAAACAGCGTCTTCAGCTGCTGCGCTGTGTTGAGCAAGGAGTTGAC-3'

ClinVar aggregate classification (germline): Pathogenic (1 of 4 stars; one submission).

Submission:

Labcorp Genetics (formerly Invitae), Labcorp
Classification: Pathogenic. Last evaluated: 2024-07-06. Review status: criteria provided, single submitter. Criteria: Invitae Variant Classification Sherloc (09022015). Collection method: clinical testing. Allele origin: germline.
Comment: This sequence change creates a premature translational stop signal (p.Ala480Profs*33) in the DEAF1 gene. It is expected to result in an absent or disrupted protein product. Loss-of-function variants in DEAF1 are known to be pathogenic (PMID: 30923367). This variant is not present in population databases (gnomAD no frequency). This variant has not been reported in the literature in individuals affected with DEAF1-related conditions. For these reasons, this variant has been classified as Pathogenic.

Literature cited by the submitters: PubMed 30923367.